The following is an entry in ClinVar:

NM_001379200.1(TBX1):c.1160G>A (p.Gly387Asp)

Gene: TBX1 (T-box transcription factor 1; plus strand). Cytogenetic location: 22q11.21.
Variant type: single nucleotide variant.
Coding change: c.1160G>A on transcript NM_001379200.1 (MANE Select); coding-DNA position 1160, G replaced by A.
Protein change: p.Gly387Asp; replaces glycine 387 with aspartic acid.
Molecular consequence: missense variant. On other transcripts: intron variant (2).
Genome position (GRCh38, 1-based): chr22:19,766,512, G>A. VCF-style: chr22-19766512-G-A. GRCh37 (hg19) VCF-style: chr22-19754035-G-A.
Other names: c.1133G>A, p.Gly378Asp (NM_080647.1); c.1009+510G>A (NM_005992.1, NM_080646.2); short protein forms G378D, G387D.
Identifiers: ClinVar variation 1515564 (VCV001515564.10), dbSNP rs2145838410, ClinGen allele CA410684342.

ClinVar aggregate classification (germline): Uncertain significance. Review status: criteria provided, multiple submitters, no conflicts (2 of 4 stars). 2 submissions from 2 submitters: Uncertain significance (2). Last evaluated 2025-05-24.

Conditions:
DiGeorge syndrome. Also called: THIRD AND FOURTH PHARYNGEAL POUCH SYNDROME; Catch22. Identifiers: Orphanet 567, MedGen C0012236, MONDO:0008564, OMIM 188400.
Cardiovascular phenotype. Identifiers: MedGen CN230736.

Allele frequency attached by ClinVar (database versions not stated): gnomAD exomes below 0.00001; gnomAD 0.00001.
gnomAD v4.1: 2 of 1,309,154 alleles (0.00015%); highest among the groups gnomAD compares: African/African-American, 0.0031%; no homozygotes.

Submissions (2):

Ambry Genetics
Classification: Uncertain significance for Cardiovascular phenotype. Last evaluated: 2025-05-24. Review status: criteria provided, single submitter. Criteria: Ambry Variant Classification Scheme 2023. Collection method: clinical testing. Allele origin: germline.
Comment: The p.G378D variant (also known as c.1133G>A), located in coding exon 8 of the TBX1 gene, results from a G to A substitution at nucleotide position 1133. The glycine at codon 378 is replaced by aspartic acid, an amino acid with similar properties. This amino acid position is conserved. In addition, the in silico prediction for this alteration is inconclusive. Based on the available evidence, the clinical significance of this variant remains unclear.

Labcorp Genetics (formerly Invitae), Labcorp
Classification: Uncertain significance for DiGeorge syndrome. Last evaluated: 2024-06-11. Review status: criteria provided, single submitter. Criteria: Invitae Variant Classification Sherloc (09022015). Collection method: clinical testing. Allele origin: germline.
Comment: This sequence change replaces glycine, which is neutral and non-polar, with aspartic acid, which is acidic and polar, at codon 378 of the TBX1 protein (p.Gly378Asp). This variant is not present in population databases (gnomAD no frequency). This variant has not been reported in the literature in individuals affected with TBX1-related conditions. ClinVar contains an entry for this variant (Variation ID: 1515564). An algorithm developed to predict the effect of missense changes on protein structure and function (PolyPhen-2) suggests that this variant is likely to be disruptive. In summary, the available evidence is currently insufficient to determine the role of this variant in disease. Therefore, it has been classified as a Variant of Uncertain Significance.